The following is an entry in ClinVar:

NM_001611.5(ACP5):c.526C>T (p.Arg176Ter)

Gene: ACP5 (acid phosphatase 5, tartrate resistant; minus strand). Cytogenetic location: 19p13.2.
Variant type: single nucleotide variant.
Coding change: c.526C>T on transcript NM_001611.5 (MANE Select); coding-DNA position 526, C replaced by T.
Protein change: p.Arg176Ter; replaces arginine 176 with a stop codon.
Molecular consequence: nonsense.
Genome position (GRCh38, 1-based): chr19:11,576,452, G>A on the plus strand (C>T on the coding strand, the complement: ACP5 is on the minus strand). VCF-style: chr19-11576452-G-A. GRCh37 (hg19) VCF-style: chr19-11687267-G-A.
Other names: c.526C>T, p.Arg176Ter (NM_001111034.3, NM_001111035.3, NM_001111036.3 and 2 more transcripts); short protein forms R176*.
Identifiers: ClinVar variation 521783 (VCV000521783.11), dbSNP rs1025967277, ClinGen allele CA305358935.

ClinVar aggregate classification (germline): Pathogenic. Review status: criteria provided, multiple submitters, no conflicts (2 of 4 stars). 3 submissions from 3 submitters: Pathogenic (3). Last evaluated 2025-08-22.

Conditions:
Inborn genetic diseases. Identifiers: MedGen C0950123, MeSH D030342.
Spondyloenchondrodysplasia with immune dysregulation (SPENCDI). Also called: ROIFMAN IMMUNOSKELETAL SYNDROME; SPONDYLOENCHONDRODYSPLASIA WITH OR WITHOUT IMMUNE DYSREGULATION; COMBINED IMMUNODEFICIENCY WITH AUTOIMMUNITY AND SPONDYLOMETAPHYSEAL DYSPLASIA. Identifiers: Orphanet 1855, MedGen C1842763, MONDO:0011939, OMIM 607944.

Allele frequency attached by ClinVar (database versions not stated): gnomAD exomes 0.00001 and below 0.00001; TOPMed 0.00002; gnomAD 0.00002.
gnomAD v4.1: 7 of 1,614,002 alleles (0.00043%); highest among the groups gnomAD compares: Admixed American, 0.0083%; no homozygotes.

Submissions (3):

3billion
Classification: Pathogenic for Spondyloenchondrodysplasia with immune dysregulation. Last evaluated: 2025-08-22. Review status: criteria provided, single submitter. Criteria: ACMG Guidelines, 2015. Collection method: clinical testing. Allele origin: germline. Affected: yes.
Comment: The variant is observed at an extremely low frequency in the gnomAD v4.1.0 dataset (total allele frequency: <0.001%). Predicted Consequence/Location: Stop-gained (nonsense): predicted to result in a loss or disruption of normal protein function through nonsense-mediated decay (NMD) or protein truncation. Multiple pathogenic variants are reported downstream of the variant. The variant has been reported at least twice as pathogenic with clinical assertions and evidence for the classification (ClinVar ID: VCV000521783 /PMID: 28740483 /3billion dataset). Therefore, this variant is classified as Pathogenic according to the recommendation of ACMG/AMP guideline.

Labcorp Genetics (formerly Invitae), Labcorp
Classification: Pathogenic for Spondyloenchondrodysplasia with immune dysregulation. Last evaluated: 2024-07-31. Review status: criteria provided, single submitter. Criteria: Invitae Variant Classification Sherloc (09022015). Collection method: clinical testing. Allele origin: germline.
Comment: This sequence change creates a premature translational stop signal (p.Arg176*) in the ACP5 gene. It is expected to result in an absent or disrupted protein product. Loss-of-function variants in ACP5 are known to be pathogenic (PMID: 21217752, 21217755). This variant is present in population databases (no rsID available, gnomAD 0.006%). This premature translational stop signal has been observed in individual(s) with spondyloenchondrodysplasia (PMID: 28740483). ClinVar contains an entry for this variant (Variation ID: 521783). For these reasons, this variant has been classified as Pathogenic.

Ambry Genetics
Classification: Pathogenic for Inborn genetic diseases. Last evaluated: 2017-05-15. Review status: criteria provided, single submitter. Criteria: Ambry exome assertion method (8-5-2015). Collection method: clinical testing. Allele origin: germline. Affected: yes. Observed: 1 variant allele.

Literature cited by the submitters: PubMed 28740483 (cited by 3billion and Labcorp Genetics (formerly Invitae), Labcorp); PubMed 21217752 (cited by Labcorp Genetics (formerly Invitae), Labcorp); PubMed 21217755 (cited by Labcorp Genetics (formerly Invitae), Labcorp).